The following is an entry in ClinVar:

NM_001029883.3(PCARE):c.2627_2628dup (p.Trp877fs)

Gene: PCARE (photoreceptor cilium actin regulator; minus strand). Cytogenetic location: 2p23.2.
Variant type: Duplication.
Coding change: c.2627_2628dup on transcript NM_001029883.3 (MANE Select); coding-DNA positions 2627 to 2628, 2 bases duplicated (CA; older notation c.2627_2628dupCA).
Protein change: p.Trp877fs; shifts the reading frame from tryptophan 877.
Molecular consequence: frameshift variant.
Genome position (GRCh38, 1-based): chr2:29,071,634-29,071,635, TG duplicated on the plus strand (CA on the coding strand, the reverse complement: PCARE is on the minus strand); duplicating any 2 consecutive bases within chr2:29,071,634-29,071,636 gives the same sequence; the c. name uses the placement nearest the transcript's 3' end. VCF-style (leftmost placement, unchanged base first): chr2-29071633-A-ATG. GRCh37 (hg19) VCF-style: chr2-29294499-A-ATG.
Other names: p.(Trp877HisfsTer7); short protein forms W877fs.
Identifiers: ClinVar variation 4853813 (VCV004853813.2).

ClinVar aggregate classification (germline): Likely pathogenic. Review status: criteria provided, multiple submitters, no conflicts (2 of 4 stars). 2 submissions from 2 submitters: Likely pathogenic (2). Last evaluated 2026-05-28.

Conditions:
Retinitis pigmentosa 54 (RP54). Identifiers: Orphanet 791, MedGen C3150691, MONDO:0013263, OMIM 613428.
PCARE-related disorder. Also called: PCARE-related condition.

Submissions (2):

Farin Genetics Laboratory
Classification: Likely pathogenic for Retinitis pigmentosa 54. Last evaluated: 2026-05-28. Review status: criteria provided, single submitter. Criteria: ACMG Guidelines, 2015. Collection method: clinical testing. Allele origin: germline. Inheritance: Autosomal recessive inheritance. Affected: yes. Observed: 3 variant alleles, 3 homozygotes. Clinical features observed: Rod-cone dystrophy (HP:0000510).
Comment: This homozygous frameshift variant in PCARE/C2ORF71 was identified in affected individual(s) with autosomal recessive PCARE-associated retinopathy/retinitis pigmentosa 54. The variant is predicted to alter the reading frame and introduce a premature termination codon, consistent with a loss-of-function mechanism. Classification was performed according to ACMG/AMP 2015 criteria, considering predicted loss of function, rarity in population databases, recessive inheritance, and consistency of the retinal phenotype with PCARE-associated disease.

Blueprint Genetics
Classification: Likely pathogenic for PCARE-related disorders. Last evaluated: 2019-12-19. Review status: criteria provided, single submitter. Criteria: ACMG Guidelines, 2015. Collection method: clinical testing. Allele origin: germline. Affected: yes. Observed: 1 variant allele.